The following is an entry in ClinVar:

NM_001267550.2(TTN):c.69923_69926dup (p.Lys23309delinsAsnTer)

Genes: TTN (titin; minus strand), TTN-AS1 (TTN antisense RNA 1; plus strand), LOC126806422 (BRD4-independent group 4 enhancer GRCh37_chr2:179440205-179441404; plus strand). Cytogenetic location: 2q31.2.
Variant type: Duplication.
Coding change: c.69923_69926dup on transcript NM_001267550.2 (MANE Select); coding-DNA positions 69923 to 69926, 4 bases duplicated (CTAA; older notation c.69923_69926dupCTAA).
Protein change: p.Lys23309delinsAsnTer.
Molecular consequence: nonsense.
Genome position (GRCh38, 1-based): chr2:178,576,206-178,576,209, TTAG duplicated on the plus strand (CTAA on the coding strand, the reverse complement: TTN is on the minus strand); duplicating any 4 consecutive bases within chr2:178,576,206-178,576,210 gives the same sequence; the c. name uses the placement nearest the transcript's 3' end. VCF-style (leftmost placement, unchanged base first): chr2-178576205-T-TTTAG. GRCh37 (hg19) VCF-style: chr2-179440932-T-TTTAG.
Other names: c.65000_65003dup, p.Lys21668delinsAsnTer (NM_001256850.1); c.42728_42731dup, p.Lys14244delinsAsnTer (NM_003319.4); c.62219_62222dup, p.Lys20741delinsAsnTer (NM_133378.4); c.43103_43106dup, p.Lys14369delinsAsnTer (NM_133432.3); c.43304_43307dup, p.Lys14436delinsAsnTer (NM_133437.4).
Identifiers: ClinVar variation 1067223 (VCV001067223.13), dbSNP rs2154172827, ClinGen allele CA2499215368.

ClinVar aggregate classification (germline): Likely pathogenic. Review status: criteria provided, multiple submitters, no conflicts (2 of 4 stars). 2 submissions from 2 submitters: Likely pathogenic (2). Last evaluated 2025-07-18.

Conditions:
Dilated cardiomyopathy 1G (CMD1G). Identifiers: Orphanet 154, MedGen C1858763, MONDO:0011400, OMIM 604145.
Autosomal recessive limb-girdle muscular dystrophy type 2J (LGMDR10). Also called: Limb-girdle muscular dystrophy, type 2J; MUSCULAR DYSTROPHY, LIMB-GIRDLE, AUTOSOMAL RECESSIVE 10. Identifiers: Orphanet 140922, MedGen C1837342, MONDO:0012127, OMIM 608807.

Submissions (2):

Labcorp Genetics (formerly Invitae), Labcorp
Classification: Likely pathogenic for Dilated cardiomyopathy 1G; Autosomal recessive limb-girdle muscular dystrophy type 2J. Last evaluated: 2025-07-18. Review status: criteria provided, single submitter. Criteria: Invitae Variant Classification Sherloc (09022015). Collection method: clinical testing. Allele origin: germline.
Comment: This sequence change creates a premature translational stop signal (p.Lys23309Asnfs*2) in the TTN gene. While this is not anticipated to result in nonsense mediated decay, it is expected to create a truncated TTN protein. This variant is not present in population databases (gnomAD no frequency). This variant has not been reported in the literature in individuals affected with TTN-related conditions. ClinVar contains an entry for this variant (Variation ID: 1067223). This variant is located in the A band of TTN (PMID: 25589632). Truncating variants in this region are significantly overrepresented in patients affected with dilated cardiomyopathy (PMID: 25589632). Truncating variants in this region have also been reported in individuals affected with autosomal recessive centronuclear myopathy (PMID: 23975875). In summary, the currently available evidence indicates that the variant is pathogenic, but additional data are needed to prove that conclusively. Therefore, this variant has been classified as Likely Pathogenic.

Human Genetics Bochum, Ruhr University Bochum
Classification: Likely pathogenic. Last evaluated: 2023-05-05. Review status: criteria provided, single submitter. Criteria: ACMG Guidelines, 2015. Collection method: clinical testing. Allele origin: germline. Affected: yes.
Comment: ACMG criteria used to clasify this variant: PVS1_STR, PS4_SUP, PM2_SUP

Literature cited by the submitters: PubMed 25589632 (cited by Labcorp Genetics (formerly Invitae), Labcorp); PubMed 23975875 (cited by Labcorp Genetics (formerly Invitae), Labcorp).